The following is an entry in ClinVar:

NM_000059.4(BRCA2):c.9501+6G>A

Gene: BRCA2 (BRCA2 DNA repair associated; plus strand). Cytogenetic location: 13q13.1.
Variant type: single nucleotide variant.
Coding change: c.9501+6G>A on transcript NM_000059.4 (MANE Select); 6 bases into the intron after coding-DNA position 9501, G replaced by A.
Molecular consequence: intron variant.
Genome position (GRCh38, 1-based): chr13:32,394,939, G>A. VCF-style: chr13-32394939-G-A. GRCh37 (hg19) VCF-style: chr13-32969076-G-A.
Identifiers: ClinVar variation 462529 (VCV000462529.16), dbSNP rs863224600, ClinGen allele CA609093425.

ClinVar aggregate classification (germline): Conflicting classifications of pathogenicity. Review status: criteria provided, conflicting classifications (1 of 4 stars). 2 submissions from 2 submitters: Uncertain significance (1); Likely benign (1). Last evaluated 2025-12-13.

Conditions:
Hereditary cancer-predisposing syndrome. Also called: Neoplastic Syndromes, Hereditary; Hereditary Cancer Syndrome; Hereditary neoplastic syndrome; Tumor predisposition. Identifiers: Orphanet 140162, MedGen C0027672, MeSH D009386, MONDO:0015356.
Hereditary breast ovarian cancer syndrome. Also called: Hereditary breast and ovarian cancer syndrome (HBOC); Hereditary breast and ovarian cancer syndrome; Breast and ovarian cancer; Hereditary breast and/or ovarian cancer syndrome; Hereditary breast and ovarian cancer; BRCA1- and BRCA2-Associated Hereditary Breast and Ovarian Cancer. Identifiers: Orphanet 145, MedGen C0677776, MeSH D061325, MONDO:0003582. Disease mechanism: loss of function.

Allele frequency attached by ClinVar (database versions not stated): gnomAD exomes below 0.00001.
gnomAD v4.1: 3 of 1,613,860 alleles (0.00019%); highest among the groups gnomAD compares: East Asian, 0.0022%; no homozygotes.

Submissions (2):

Labcorp Genetics (formerly Invitae), Labcorp
Classification: Likely benign for Hereditary breast ovarian cancer syndrome. Last evaluated: 2025-12-13. Review status: criteria provided, single submitter. Criteria: Invitae Variant Classification Sherloc (09022015). Collection method: clinical testing. Allele origin: germline.

Color Diagnostics, LLC DBA Color Health
Classification: Uncertain significance for Hereditary cancer-predisposing syndrome. Last evaluated: 2023-08-28. Review status: criteria provided, single submitter. Criteria: ACMG Guidelines, 2015. Collection method: clinical testing. Allele origin: germline.
Comment: This variant causes a G>A nucleotide substitution at the +6 position of intron 25 of the BRCA2 gene. To our knowledge, RNA studies have not been reported for this variant. This variant has been reported in an individual with a personal or family history of BRCA2-related cancer (PMID: 28111427). This variant has been identified in 1/250970 chromosomes in the general population by the Genome Aggregation Database (gnomAD). The available evidence is insufficient to determine the role of this variant in disease conclusively. Therefore, this variant is classified as a Variant of Uncertain Significance.

Literature cited by the submitters: PubMed 28111427 (cited by Color Diagnostics, LLC DBA Color Health).